The following is an entry in ClinVar:

NM_003742.4(ABCB11):c.2041_2054del (p.Thr681fs)

Gene: ABCB11 (ATP binding cassette subfamily B member 11; minus strand). Cytogenetic location: 2q31.1.
Variant type: Deletion.
Coding change: c.2041_2054del on transcript NM_003742.4 (MANE Select); coding-DNA positions 2041 to 2054, 14 bases deleted (ACCTTTAGCAGAGG).
Protein change: p.Thr681fs; shifts the reading frame from threonine 681.
Molecular consequence: frameshift variant.
Genome position (GRCh38, 1-based): chr2:168,968,448-168,968,461, CCTCTGCTAAAGGT deleted on the plus strand (ACCTTTAGCAGAGG on the coding strand, the reverse complement: ABCB11 is on the minus strand); deleting any 14 consecutive bases within chr2:168,968,448-168,968,465 gives the same sequence; the c. name uses the placement nearest the transcript's 3' end. VCF-style (leftmost placement, unchanged base first): chr2-168968447-CCCTCTGCTAAAGGT-C. GRCh37 (hg19) VCF-style: chr2-169824957-CCCTCTGCTAAAGGT-C.
Other names: short protein forms T681fs.
Identifiers: ClinVar variation 4815268 (VCV004815268.1).

ClinVar aggregate classification (germline): Likely pathogenic (1 of 4 stars; one submission).

Conditions:
Progressive familial intrahepatic cholestasis type 2. Identifiers: Orphanet 79304, MedGen C3489789, MONDO:0011156, OMIM 601847.

Submission:

Natera, Inc.
Classification: Likely pathogenic for Progressive familial intrahepatic cholestasis type 2. Last evaluated: 2024-10-31. Review status: criteria provided, single submitter. Criteria: Natera Variant Classification Schema (03/2026). Collection method: clinical testing. Allele origin: germline.
Comment: The c.2041_2054del variant in ABCB11 is a frameshift variant predicted to shift the reading frame beginning at codon 681 and leads to a stop codon 5 codons downstream. This variant is expected to result in nonsense mediated decay, truncation, or a dysfunctional protein product. This variant is rare in the general population with a frequency below the threshold expected for the associated phenotype(s). Given the available evidence, this variant is classified as Likely Pathogenic.